The following is an entry in ClinVar:

ClinVar aggregate classification (germline): Uncertain significance (1 of 4 stars; one submission).

Conditions:
INPP5E-related disorder. Also called: INPP5E-related condition.

Submission:

PreventionGenetics, part of Exact Sciences
Classification: Uncertain significance for INPP5E-related condition. Last evaluated: 2025-05-12. Review status: criteria provided, single submitter. Criteria: ACMG Guidelines, 2015. Collection method: clinical testing. Allele origin: germline.
Comment: The INPP5E c.1280-1G>C variant is predicted to disrupt the AG splice acceptor site and interfere with normal splicing. In the main reportable transcript (NM_019892), this variant is a missense alteration, c.1282G>C (p.Gly428Arg). To our knowledge, this variant has not been reported in the literature or in a large population database (gnomAD), indicating this variant is rare. Although we suspect that this variant may be pathogenic, at this time, the clinical significance of this variant is uncertain due to the absence of conclusive functional and genetic evidence.

NM_019892.6(INPP5E):c.1282G>C (p.Gly428Arg)

Gene: INPP5E (inositol polyphosphate-5-phosphatase E; minus strand). Cytogenetic location: 9q34.3.
Variant type: single nucleotide variant.
Coding change: c.1282G>C on transcript NM_019892.6 (MANE Select); coding-DNA position 1282, G replaced by C.
Protein change: p.Gly428Arg; replaces glycine 428 with arginine.
Molecular consequence: missense variant. On other transcripts: splice acceptor variant (1).
Genome position (GRCh38, 1-based): chr9:136,432,584, C>G on the plus strand (G>C on the coding strand, the complement: INPP5E is on the minus strand). VCF-style: chr9-136432584-C-G. GRCh37 (hg19) VCF-style: chr9-139327036-C-G.
Other names: c.1280-1G>C (NM_001318502.2); short protein forms G428R.
Identifiers: ClinVar variation 4998166 (VCV004998166.1).